The following is an entry in ClinVar:

ClinVar aggregate classification (germline): Uncertain significance. Review status: criteria provided, single submitter (1 of 4 stars). 2 submissions from 2 submitters: Uncertain significance (1). 1 of the submissions does not count toward it. Last evaluated 2021-09-01.

Conditions:
Ellis-van Creveld syndrome (EVC). Also called: EVC-Related Ellis-van Creveld Syndrome; EVC2-Related Ellis-van Creveld Syndrome; Chondroectodermal dysplasia; MESOECTODERMAL DYSPLASIA. Identifiers: Orphanet 289, MedGen C0013903, MONDO:0009162, OMIM 225500.
Curry-Hall syndrome (WAD). Also called: WEYERS ACRODENTAL DYSOSTOSIS. Identifiers: Orphanet 952, MedGen C0457013, MONDO:0008673, OMIM 193530.

Allele frequency attached by ClinVar (database versions not stated): ExAC 0.00001; TOPMed 0.00002.
gnomAD v4.1: 41 of 1,613,910 alleles (0.0025%); highest among the groups gnomAD compares: Non-Finnish European, 0.0034%; no homozygotes.

Submissions (2):

Labcorp Genetics (formerly Invitae), Labcorp
Classification: Uncertain significance for Curry-Hall syndrome; Ellis-van Creveld syndrome. Last evaluated: 2021-09-01. Review status: criteria provided, single submitter. Criteria: Invitae Variant Classification Sherloc (09022015). Collection method: clinical testing. Allele origin: germline.
Comment: This sequence change replaces tyrosine with serine at codon 780 of the EVC protein (p.Tyr780Ser). The tyrosine residue is highly conserved and there is a large physicochemical difference between tyrosine and serine. This variant is present in population databases (rs773252806, ExAC 0.002%). This variant has not been reported in the literature in individuals affected with EVC-related conditions. Algorithms developed to predict the effect of missense changes on protein structure and function are either unavailable or do not agree on the potential impact of this missense change (SIFT: "Deleterious"; PolyPhen-2: "Probably Damaging"; Align-GVGD: "Class C0"). In summary, the available evidence is currently insufficient to determine the role of this variant in disease. Therefore, it has been classified as a Variant of Uncertain Significance.

Natera, Inc.
Classification: Uncertain significance for Ellis-van Creveld syndrome. Last evaluated: 2021-01-21. Review status: no assertion criteria provided. Collection method: clinical testing. Allele origin: germline. Not counted in ClinVar's aggregate classification.

NM_153717.3(EVC):c.2339A>C (p.Tyr780Ser)

Gene: EVC (EvC ciliary complex subunit 1; plus strand). Cytogenetic location: 4p16.2.
Variant type: single nucleotide variant.
Coding change: c.2339A>C on transcript NM_153717.3 (MANE Select); coding-DNA position 2339, A replaced by C.
Protein change: p.Tyr780Ser; replaces tyrosine 780 with serine.
Molecular consequence: missense variant.
Genome position (GRCh38, 1-based): chr4:5,801,984, A>C. VCF-style: chr4-5801984-A-C. GRCh37 (hg19) VCF-style: chr4-5803711-A-C.
Other names: c.2339A>C, p.Tyr780Ser (NM_001306090.2); short protein forms Y780S.
Identifiers: ClinVar variation 639657 (VCV000639657.8), dbSNP rs773252806, ClinGen allele CA2836468.